The following is an entry in ClinVar:

ClinVar aggregate classification (germline): Pathogenic. Review status: criteria provided, multiple submitters, no conflicts (2 of 4 stars). 2 submissions from 2 submitters: Pathogenic (2). Last evaluated 2023-02-05.

Conditions:
Carnitine palmitoyl transferase 1A deficiency. Also called: Carnitine palmitoyltransferase 1A deficiency; Carnitine palmitoyltransferase type I deficiency; CPT deficiency, hepatic, type IA; CPT I DEFICIENCY; CPT DEFICIENCY, HEPATIC, TYPE I. Identifiers: Orphanet 156, MedGen C1829703, MONDO:0009705, OMIM 255120.

Submissions (2):

Labcorp Genetics (formerly Invitae), Labcorp
Classification: Pathogenic for Carnitine palmitoyl transferase 1A deficiency. Last evaluated: 2023-02-05. Review status: criteria provided, single submitter. Criteria: Invitae Variant Classification Sherloc (09022015). Collection method: clinical testing. Allele origin: germline.
Comment: This sequence change creates a premature translational stop signal (p.Cys613*) in the CPT1A gene. It is expected to result in an absent or disrupted protein product. Loss-of-function variants in CPT1A are known to be pathogenic (PMID: 16169268). For these reasons, this variant has been classified as Pathogenic. This variant has not been reported in the literature in individuals affected with CPT1A-related conditions. This variant is not present in population databases (gnomAD no frequency).

Clinical Genetics Service, Universitary Hospital 12 de Octubre
Classification: Pathogenic for Carnitine palmitoyl transferase 1A deficiency. Review status: criteria provided, single submitter. Criteria: ACMG Guidelines, 2015. Collection method: clinical testing. Allele origin: germline. Affected: yes.

Literature cited by the submitters: PubMed 16169268 (cited by Labcorp Genetics (formerly Invitae), Labcorp).

NM_001876.4(CPT1A):c.1839C>A (p.Cys613Ter)

Gene: CPT1A (carnitine palmitoyltransferase 1A; minus strand). Cytogenetic location: 11q13.3.
Variant type: single nucleotide variant.
Coding change: c.1839C>A on transcript NM_001876.4 (MANE Select); coding-DNA position 1839, C replaced by A.
Protein change: p.Cys613Ter; replaces cysteine 613 with a stop codon.
Molecular consequence: nonsense.
Genome position (GRCh38, 1-based): chr11:68,762,663, G>T on the plus strand (C>A on the coding strand, the complement: CPT1A is on the minus strand). VCF-style: chr11-68762663-G-T. GRCh37 (hg19) VCF-style: chr11-68530131-G-T.
Other names: c.1839C>A, p.Cys613Ter (NM_001031847.3); c.1839C>A (NM_001876.3); short protein forms C613*.
Identifiers: ClinVar variation 2831097 (VCV002831097.4), dbSNP rs577426394, ClinGen allele CA381627441.
Genomic context (GRCh38, chr11:68,762,663, plus strand): 5'-GTCCTCAGCCTGATGGCACATTACCGTCTGGGCCGGGTCCACCATGGCCCGCACGAAGTC[G>T]CATGACTCAGTGGTGCAGGAGCGCACGGTCTCCGTCCTCCCCTCTCGGAAGAGCCGGGTC-3'